The following is an entry in ClinVar:

NM_000342.4(SLC4A1):c.*947C>G

Gene: SLC4A1 (solute carrier family 4 member 1 (Diego blood group); minus strand). Cytogenetic location: 17q21.31.
Variant type: single nucleotide variant.
Coding change: c.*947C>G on transcript NM_000342.4 (MANE Select); 947 bases downstream of the stop codon, C replaced by G.
Molecular consequence: 3 prime UTR variant.
Genome position (GRCh38, 1-based): chr17:44,249,511, G>C on the plus strand (C>G on the coding strand, the complement: SLC4A1 is on the minus strand). VCF-style: chr17-44249511-G-C. GRCh37 (hg19) VCF-style: chr17-42326879-G-C.
Identifiers: ClinVar variation 323490 (VCV000323490.5), dbSNP rs368389948, ClinGen allele CA10649380.
Genomic context (GRCh38, chr17:44,249,511, plus strand): 5'-CACTCTCCCGCCCCTACCTTCCCACCCTCCCCCACTCCCTATCCAAATGTAGAATCAACT[G>C]TACCTTGCCCCCCACCCCCACCCCAGGGCAGGGCTTGTCTCAGTCCCCTCGGAGTCCACT-3'

ClinVar aggregate classification (germline): Benign/Likely benign. Review status: criteria provided, single submitter (1 of 4 stars). 3 submissions from 1 submitter: Benign (1); Likely benign (2). Last evaluated 2018-01-13.

Conditions:
Hereditary spherocytosis type 4. Also called: SLC4A1-Related Spherocytosis. Identifiers: Orphanet 822, MedGen C2675212, MONDO:0012981, OMIM 612653.
Autosomal dominant distal renal tubular acidosis (DRTA1). Also called: RTA, CLASSIC TYPE; RTA, DISTAL TYPE, AUTOSOMAL DOMINANT; RTA, GRADIENT TYPE; Renal Tubular Acidosis, Type I; RENAL TUBULAR ACIDOSIS, DISTAL, 1. Identifiers: Orphanet 93608, MedGen CN280572, MONDO:0008368, OMIM 179800.
Hemolytic anemia. Identifiers: MedGen C0002878, MONDO:0003664, HP:0001878.

Allele frequency attached by ClinVar (database versions not stated): gnomAD exomes 0.00006; gnomAD 0.00027 and 0.00029; 1000 Genomes Project 30x 0.00062; 1000 Genomes Project 0.00080.
gnomAD v4.1: 29 of 163,662 alleles (0.018%); highest among the groups gnomAD compares: Middle Eastern, 0.24%; no homozygotes.

Submissions (3):

Illumina Laboratory Services, Illumina
Classification: Likely benign for Hemolytic anemia. Last evaluated: 2018-01-13. Review status: criteria provided, single submitter. Criteria: ICSL Variant Classification Criteria 13 December 2019. Collection method: clinical testing. Allele origin: germline.
Comment: This variant was observed in the ICSL laboratory as part of a predisposition screen in an ostensibly healthy population. It had not been previously curated by ICSL or reported in the Human Gene Mutation Database (HGMD: prior to June 1st, 2018), and was therefore a candidate for classification through an automated scoring system. Utilizing variant allele frequency, disease prevalence and penetrance estimates, and inheritance mode, an automated score was calculated to assess if this variant is too frequent to cause the disease. Based on the score and internal cut-off values, a variant classified as likely benign is not then subjected to further curation. The score for this variant resulted in a classification of likely benign for this disease.

Illumina Laboratory Services, Illumina
Classification: Likely benign for Hereditary spherocytosis type 4. Last evaluated: 2018-01-13. Review status: criteria provided, single submitter. Criteria: ICSL Variant Classification Criteria 13 December 2019. Collection method: clinical testing. Allele origin: germline.
Comment: the same text as in the submission from Illumina Laboratory Services, Illumina above.

Illumina Laboratory Services, Illumina
Classification: Benign for Autosomal dominant distal renal tubular acidosis. Last evaluated: 2018-01-13. Review status: criteria provided, single submitter. Criteria: ICSL Variant Classification Criteria 13 December 2019. Collection method: clinical testing. Allele origin: germline.
Comment: This variant was observed in the ICSL laboratory as part of a predisposition screen in an ostensibly healthy population. It had not been previously curated by ICSL or reported in the Human Gene Mutation Database (HGMD: prior to June 1st, 2018), and was therefore a candidate for classification through an automated scoring system. Utilizing variant allele frequency, disease prevalence and penetrance estimates, and inheritance mode, an automated score was calculated to assess if this variant is too frequent to cause the disease. Based on the score and internal cut-off values, a variant classified as benign is not then subjected to further curation. The score for this variant resulted in a classification of benign for this disease.